The following is an entry in ClinVar:

NM_001083961.2(WDR62):c.1643-39G>A

Gene: WDR62 (WD repeat domain 62; plus strand). Cytogenetic location: 19q13.12.
Variant type: single nucleotide variant.
Coding change: c.1643-39G>A on transcript NM_001083961.2 (MANE Select); 39 bases into the intron before coding-DNA position 1643, G replaced by A.
Molecular consequence: intron variant.
Genome position (GRCh38, 1-based): chr19:36,086,648, G>A. VCF-style: chr19-36086648-G-A. GRCh37 (hg19) VCF-style: chr19-36577550-G-A.
Other names: c.1643-39G>A (NM_173636.5).
Identifiers: ClinVar variation 160254 (VCV000160254.9), dbSNP rs2301735, ClinGen allele CA173900.

ClinVar aggregate classification (germline): Benign. Review status: criteria provided, multiple submitters, no conflicts (2 of 4 stars). 5 submissions from 5 submitters: Benign (4). 1 of the submissions does not count toward it. Last evaluated 2021-12-05.

Conditions:
Microcephaly 2, primary, autosomal recessive, with or without cortical malformations. Also called: MICROCEPHALY 2, PRIMARY, AUTOSOMAL RECESSIVE, WITH CORTICAL MALFORMATIONS; WDR62 Primary Microcephaly. Identifiers: Orphanet 2512, MedGen C1858535, MONDO:0011435, OMIM 604317.

Allele frequency attached by ClinVar (database versions not stated): 1000 Genomes Project 30x 0.05559; 1000 Genomes Project 0.05651; TOPMed 0.06446; ESP Exome Variant Server 0.06561; gnomAD 0.07158 and 0.07203; gnomAD exomes 0.07364; ExAC 0.09145.
gnomAD v4.1: 132,570 of 1,576,082 alleles (8.4%); highest among the groups gnomAD compares: Non-Finnish European, 8.9%; 6,017 homozygotes.

Submissions (5):

Genome-Nilou Lab
Classification: Benign for Microcephaly 2, primary, autosomal recessive, with or without cortical malformations. Last evaluated: 2021-12-05. Review status: criteria provided, single submitter. Criteria: ACMG Guidelines, 2015. Collection method: clinical testing. Allele origin: germline. Affected: no.

GeneDx
Classification: Benign. Last evaluated: 2018-06-16. Review status: criteria provided, single submitter. Criteria: GeneDx Variant Classification (06012015). Collection method: clinical testing. Allele origin: germline. Affected: yes.
Comment: This variant is considered likely benign or benign based on one or more of the following criteria: it is a conservative change, it occurs at a poorly conserved position in the protein, it is predicted to be benign by multiple in silico algorithms, and/or has population frequency not consistent with disease.

Breakthrough Genomics
Classification: Benign. Review status: criteria provided, single submitter. Criteria: ACMG Guidelines, 2015. Collection method: not provided. Allele origin: germline. Inheritance: Autosomal recessive inheritance. Affected: yes.

PreventionGenetics, part of Exact Sciences
Classification: Benign. Review status: criteria provided, single submitter. Criteria: ACMG Guidelines, 2015. Collection method: clinical testing. Allele origin: germline.

Genetic Services Laboratory, University of Chicago
Classification: Likely benign. Review status: no assertion criteria provided. Collection method: clinical testing. Allele origin: germline. Inheritance: Autosomal recessive inheritance. Not counted in ClinVar's aggregate classification.
Comment: Likely benign based on allele frequency in 1000 Genomes Project or ESP global frequency and its presence in a patient with a rare or unrelated disease phenotype. NOT Sanger confirmed